The following is an entry in ClinVar:

NM_018117.12(WDR11):c.11A>G (p.Tyr4Cys)

Gene: WDR11 (WD repeat domain 11; plus strand). Cytogenetic location: 10q26.12.
Variant type: single nucleotide variant.
Coding change: c.11A>G on transcript NM_018117.12 (MANE Select); coding-DNA position 11, A replaced by G.
Protein change: p.Tyr4Cys; replaces tyrosine 4 with cysteine.
Molecular consequence: missense variant.
Genome position (GRCh38, 1-based): chr10:120,851,431, A>G. VCF-style: chr10-120851431-A-G. GRCh37 (hg19) VCF-style: chr10-122610943-A-G.
Other names: short protein forms Y4C.
Identifiers: ClinVar variation 4691426 (VCV004691426.1).
Genomic context (GRCh38, chr10:120,851,431, plus strand): 5'-GCCGCTTCCTGGTTGCGGGTCAGCGCCCAGGTCCTGGGCTGGCCGCCGGGATGTTGCCCT[A>G]CACAGTGAACTTCAAGGTGTCGGCGCGCACCCTCACGGGGGCCCTCAACGCCCACAACAA-3'
Protein context (NP_060587.8, residues 1-14): MLP[Tyr4Cys]TVNFKVSART

ClinVar aggregate classification (germline): Uncertain significance (1 of 4 stars; one submission).

gnomAD v4.1: 43 of 1,611,540 alleles (0.0027%); highest among the groups gnomAD compares: East Asian, 0.011%; no homozygotes.

Submission:

Labcorp Genetics (formerly Invitae), Labcorp
Classification: Uncertain significance. Last evaluated: 2025-02-11. Review status: criteria provided, single submitter. Criteria: Invitae Variant Classification Sherloc (09022015). Collection method: clinical testing. Allele origin: germline.
Comment: This sequence change replaces tyrosine, which is neutral and polar, with cysteine, which is neutral and slightly polar, at codon 4 of the WDR11 protein (p.Tyr4Cys). This variant is present in population databases (rs148286007, gnomAD 0.02%). This variant has not been reported in the literature in individuals affected with WDR11-related conditions. An algorithm developed to predict the effect of missense changes on protein structure and function (PolyPhen-2) suggests that this variant is likely to be tolerated. In summary, the available evidence is currently insufficient to determine the role of this variant in disease. Therefore, it has been classified as a Variant of Uncertain Significance.